The following is an entry in ClinVar:

ClinVar aggregate classification (germline): Uncertain significance (1 of 4 stars; one submission).

Conditions:
Hyperkalemic periodic paralysis. Also called: Familial hyperkalemic periodic paralysis; Gamstorp disease. Identifiers: Orphanet 682, MedGen C0238357, MONDO:0008224, OMIM 170500, HP:0007215.

Allele frequency attached by ClinVar (database versions not stated): gnomAD exomes below 0.00001.
gnomAD v4.1: 6 of 1,607,090 alleles (0.00037%); highest among the groups gnomAD compares: Non-Finnish European, 0.00051%; no homozygotes.

Submission:

Labcorp Genetics (formerly Invitae), Labcorp
Classification: Uncertain significance for Hyperkalemic periodic paralysis. Last evaluated: 2024-08-01. Review status: criteria provided, single submitter. Criteria: Invitae Variant Classification Sherloc (09022015). Collection method: clinical testing. Allele origin: germline.
Comment: This sequence change replaces glutamine, which is neutral and polar, with lysine, which is basic and polar, at codon 245 of the SCN4A protein (p.Gln245Lys). This variant is not present in population databases (gnomAD no frequency). This variant has not been reported in the literature in individuals affected with SCN4A-related conditions. ClinVar contains an entry for this variant (Variation ID: 1376243). Advanced modeling of protein sequence and biophysical properties (such as structural, functional, and spatial information, amino acid conservation, physicochemical variation, residue mobility, and thermodynamic stability) has been performed at Invitae for this missense variant, however the output from this modeling did not meet the statistical confidence thresholds required to predict the impact of this variant on SCN4A protein function. In summary, the available evidence is currently insufficient to determine the role of this variant in disease. Therefore, it has been classified as a Variant of Uncertain Significance.

NM_000334.4(SCN4A):c.733C>A (p.Gln245Lys)

Gene: SCN4A (sodium voltage-gated channel alpha subunit 4; minus strand). Cytogenetic location: 17q23.3.
Variant type: single nucleotide variant.
Coding change: c.733C>A on transcript NM_000334.4 (MANE Select); coding-DNA position 733, C replaced by A.
Protein change: p.Gln245Lys; replaces glutamine 245 with lysine.
Molecular consequence: missense variant.
Genome position (GRCh38, 1-based): chr17:63,968,326, G>T on the plus strand (C>A on the coding strand, the complement: SCN4A is on the minus strand). VCF-style: chr17-63968326-G-T. GRCh37 (hg19) VCF-style: chr17-62045686-G-T.
Other names: short protein forms Q245K.
Identifiers: ClinVar variation 1376243 (VCV001376243.6), dbSNP rs2144810270, ClinGen allele CA400637832.